The following is an entry in ClinVar:

ClinVar aggregate classification (germline): Likely pathogenic (1 of 4 stars; one submission).

Conditions:
Usher syndrome type 2A. Also called: RETINAL DISEASE IN USHER SYNDROME TYPE IIA, MODIFIER OF; USHER SYNDROME, TYPE IIA. Identifiers: Orphanet 231178, Orphanet 886, MedGen C1848634, MONDO:0010169, OMIM 276901.

Submission:

Natera, Inc.
Classification: Likely pathogenic for Usher syndrome type 2A. Last evaluated: 2025-12-16. Review status: criteria provided, single submitter. Criteria: Natera Variant Classification Schema (03/2026). Collection method: clinical testing. Allele origin: germline.
Comment: The c.7300+1G>A variant in USH2A is a canonical splice donor site variant predicted to affect pre-mRNA splicing, which may result in an abnormal transcript and altered protein product. This variant may result in a truncated or dysfunctional protein product. This variant is rare in the general population with a frequency below the threshold expected for the associated phenotype(s). Another variant at this same site results in an alteration predicted to cause a similar molecular effect has been observed in individual(s) with the associated phenotype. Given the available evidence, this variant is classified as Likely Pathogenic.

NM_206933.4(USH2A):c.7300+1G>A

Gene: USH2A (usherin; minus strand). Cytogenetic location: 1q41.
Variant type: single nucleotide variant.
Coding change: c.7300+1G>A on transcript NM_206933.4 (MANE Select); the canonical splice donor site of the intron after coding-DNA position 7300, G replaced by A.
Molecular consequence: splice donor variant.
Genome position (GRCh38, 1-based): chr1:215,934,615, C>T on the plus strand (G>A on the coding strand, the complement: USH2A is on the minus strand). VCF-style: chr1-215934615-C-T. GRCh37 (hg19) VCF-style: chr1-216107957-C-T.
Identifiers: ClinVar variation 4817148 (VCV004817148.1).